The following is an entry in ClinVar:

ClinVar aggregate classification (germline): Uncertain significance (1 of 4 stars; one submission).

Conditions:
Combined immunodeficiency due to LRBA deficiency. Also called: Common variable immunodeficiency 8, with autoimmunity. Identifiers: Orphanet 445018, MedGen C3553512, MONDO:0013863, OMIM 614700.

Allele frequency attached by ClinVar (database versions not stated): gnomAD exomes 0.00001; TOPMed 0.00001.
gnomAD v4.1: 9 of 1,608,570 alleles (0.00056%); highest among the groups gnomAD compares: Non-Finnish European, 0.00068%; no homozygotes.

Submission:

Labcorp Genetics (formerly Invitae), Labcorp
Classification: Uncertain significance for Combined immunodeficiency due to LRBA deficiency. Last evaluated: 2021-12-15. Review status: criteria provided, single submitter. Criteria: Invitae Variant Classification Sherloc (09022015). Collection method: clinical testing. Allele origin: germline.
Comment: In summary, the available evidence is currently insufficient to determine the role of this variant in disease. Therefore, it has been classified as a Variant of Uncertain Significance. Algorithms developed to predict the effect of missense changes on protein structure and function are either unavailable or do not agree on the potential impact of this missense change (SIFT: "Deleterious"; PolyPhen-2: "Probably Damaging"; Align-GVGD: "Class C0"). This missense change has been observed in individual(s) with common variable immunodeficiency (PMID: 26122175). This variant is not present in population databases (gnomAD no frequency). This sequence change replaces serine, which is neutral and polar, with proline, which is neutral and non-polar, at codon 2221 of the LRBA protein (p.Ser2221Pro).

Literature cited by the submitters: PubMed 26122175.

NM_001364905.1(LRBA):c.6628T>C (p.Ser2210Pro)

Gene: LRBA (LPS responsive beige-like anchor protein; minus strand). Cytogenetic location: 4q31.3.
Variant type: single nucleotide variant.
Coding change: c.6628T>C on transcript NM_001364905.1 (MANE Select); coding-DNA position 6628, T replaced by C.
Protein change: p.Ser2210Pro; replaces serine 2210 with proline.
Molecular consequence: missense variant.
Genome position (GRCh38, 1-based): chr4:150,471,663, A>G on the plus strand (T>C on the coding strand, the complement: LRBA is on the minus strand). VCF-style: chr4-150471663-A-G. GRCh37 (hg19) VCF-style: chr4-151392815-A-G.
Other names: c.6628T>C, p.Ser2210Pro (NM_001199282.3, NM_001367550.1); c.6661T>C, p.Ser2221Pro (NM_006726.5); short protein forms S2210P, S2221P.
Identifiers: ClinVar variation 1504073 (VCV001504073.6), dbSNP rs1756145114, ClinGen allele CA358606658.